The following is an entry in ClinVar:

NM_000059.4(BRCA2):c.1524_1525del (p.Ile508fs)

Gene: BRCA2 (BRCA2 DNA repair associated; plus strand). Cytogenetic location: 13q13.1.
Variant type: Deletion.
Coding change: c.1524_1525del on transcript NM_000059.4 (MANE Select); coding-DNA positions 1524 to 1525, 2 bases deleted (AA; older notation c.1524_1525delAA).
Protein change: p.Ile508fs; shifts the reading frame from isoleucine 508.
Molecular consequence: frameshift variant. On other transcripts: non-coding transcript variant (1), intron variant (1).
Genome position (GRCh38, 1-based): chr13:32,333,002-32,333,003, AA deleted. VCF-style (leftmost placement, unchanged base first): chr13-32333001-TAA-T. GRCh37 (hg19) VCF-style: chr13-32907138-TAA-T.
Other names: c.1524_1525del, p.Ile508fs (NM_001406719.1, NM_001406720.1, NM_001406721.1 and 1 more transcripts); c.424+1972_424+1973del (NM_001406722.1); short protein forms I508fs.
Identifiers: ClinVar variation 3825420 (VCV003825420.2).

ClinVar aggregate classification (germline): Pathogenic. Review status: criteria provided, multiple submitters, no conflicts (2 of 4 stars). 2 submissions from 2 submitters: Pathogenic (2). Last evaluated 2025-04-22.

Conditions:
Hereditary cancer-predisposing syndrome. Also called: Hereditary Cancer Syndrome; Hereditary neoplastic syndrome; Tumor predisposition; Neoplastic Syndromes, Hereditary. Identifiers: Orphanet 140162, MedGen C0027672, MeSH D009386, MONDO:0015356.
Breast-ovarian cancer, familial, susceptibility to, 2 (BROVCA2). Also called: BRCA2 Hereditary Breast and Ovarian Cancer. Identifiers: Orphanet 145, MedGen C2675520, MONDO:0012933, OMIM 612555. Disease mechanism: loss of function.

Submissions (2):

Myriad Genetics, Inc.
Classification: Pathogenic for Breast-ovarian cancer, familial, susceptibility to, 2. Last evaluated: 2025-04-22. Review status: criteria provided, single submitter. Criteria: Myriad Autosomal Dominant, Autosomal Recessive and X-Linked Classification Criteria (2023). Collection method: clinical testing. Allele origin: unknown.
Comment: This variant is considered pathogenic. This variant creates a frameshift predicted to result in premature protein truncation.

Ambry Genetics
Classification: Pathogenic for Hereditary cancer-predisposing syndrome. Last evaluated: 2025-01-17. Review status: criteria provided, single submitter. Criteria: Ambry Variant Classification Scheme 2023. Collection method: clinical testing. Allele origin: germline.
Comment: The c.1524_1525delAA pathogenic mutation, located in coding exon 9 of the BRCA2 gene, results from a deletion of two nucleotides at nucleotide positions 1524 to 1525, causing a translational frameshift with a predicted alternate stop codon (p.I508Mfs*5). This variant is considered to be rare based on population cohorts in the Genome Aggregation Database (gnomAD). This alteration is expected to result in loss of function by premature protein truncation or nonsense-mediated mRNA decay. As such, this alteration is interpreted as a disease-causing mutation.